The following is an entry in ClinVar:

ClinVar aggregate classification (germline): Uncertain significance (1 of 4 stars; one submission).

Submission:

Ambry Genetics
Classification: Uncertain significance. Last evaluated: 2025-05-02. Review status: criteria provided, single submitter. Criteria: Ambry Variant Classification Scheme 2023. Collection method: clinical testing. Allele origin: germline.
Comment: The p.E27G variant (also known as c.80A>G), located in coding exon 2 of the RECQL gene, results from an A to G substitution at nucleotide position 80. The glutamic acid at codon 27 is replaced by glycine, an amino acid with similar properties. This amino acid position is conserved. In addition, the in silico prediction for this alteration is inconclusive. Since supporting evidence is limited at this time, the clinical significance of this alteration remains unclear.

NM_002907.4(RECQL):c.80A>G (p.Glu27Gly)

Gene: RECQL (RecQ like helicase; minus strand). Cytogenetic location: 12p12.1.
Variant type: single nucleotide variant.
Coding change: c.80A>G on transcript NM_002907.4 (MANE Select); coding-DNA position 80, A replaced by G.
Protein change: p.Glu27Gly; replaces glutamic acid 27 with glycine.
Molecular consequence: missense variant.
Genome position (GRCh38, 1-based): chr12:21,491,653, T>C on the plus strand (A>G on the coding strand, the complement: RECQL is on the minus strand). VCF-style: chr12-21491653-T-C. GRCh37 (hg19) VCF-style: chr12-21644587-T-C.
Other names: c.80A>G, p.Glu27Gly (NM_032941.3); short protein forms E27G.
Identifiers: ClinVar variation 1761989 (VCV001761989.3), dbSNP rs2540405575, ClinGen allele CA384134608.